The following is an entry in ClinVar:

ClinVar aggregate classification (germline): Uncertain significance (1 of 4 stars; one submission).

Conditions:
DNA ligase IV deficiency. Identifiers: Orphanet 99812, MedGen C1847827, MONDO:0011686, OMIM 606593.

Allele frequency attached by ClinVar (database versions not stated): gnomAD exomes below 0.00001; TOPMed below 0.00001; ExAC 0.00001; gnomAD 0.00001.

Submission:

Labcorp Genetics (formerly Invitae), Labcorp
Classification: Uncertain significance for DNA ligase IV deficiency. Last evaluated: 2023-10-13. Review status: criteria provided, single submitter. Criteria: Invitae Variant Classification Sherloc (09022015). Collection method: clinical testing. Allele origin: germline.
Comment: This sequence change replaces alanine, which is neutral and non-polar, with threonine, which is neutral and polar, at codon 33 of the LIG4 protein (p.Ala33Thr). This variant is present in population databases (rs769286329, gnomAD 0.0009%). This variant has not been reported in the literature in individuals affected with LIG4-related conditions. ClinVar contains an entry for this variant (Variation ID: 1419541). Advanced modeling of protein sequence and biophysical properties (such as structural, functional, and spatial information, amino acid conservation, physicochemical variation, residue mobility, and thermodynamic stability) performed at Invitae indicates that this missense variant is not expected to disrupt LIG4 protein function. In summary, the available evidence is currently insufficient to determine the role of this variant in disease. Therefore, it has been classified as a Variant of Uncertain Significance.

NM_206937.2(LIG4):c.97G>A (p.Ala33Thr)

Gene: LIG4 (DNA ligase 4; minus strand). Cytogenetic location: 13q33.3.
Variant type: single nucleotide variant.
Coding change: c.97G>A on transcript NM_206937.2 (MANE Select); coding-DNA position 97, G replaced by A.
Protein change: p.Ala33Thr; replaces alanine 33 with threonine.
Molecular consequence: missense variant. On other transcripts: 5 prime UTR variant (1).
Genome position (GRCh38, 1-based): chr13:108,211,172, C>T on the plus strand (G>A on the coding strand, the complement: LIG4 is on the minus strand). VCF-style: chr13-108211172-C-T. GRCh37 (hg19) VCF-style: chr13-108863520-C-T.
Other names: c.97G>A, p.Ala33Thr (NM_001098268.2, NM_001352598.2, NM_001352599.2 and 6 more transcripts); c.-105G>A (NM_001330595.2); c.133G>A, p.Ala45Thr (NM_001352604.2); short protein forms A45T, A33T.
Identifiers: ClinVar variation 1419541 (VCV001419541.6), dbSNP rs769286329, ClinGen allele CA7043887.
Genomic context (GRCh38, chr13:108,211,172, plus strand): 5'-GAGCATCATGAAATTTTCTCCAAGAATCTAAAAATTCCCTGAAGTGTCTGATTTTTTCTG[C>T]ACGTCCTTTACTTTTCTGTATTCGTTCTAAAGTTGAACACAAATCTGCAAAAGGAACGTG-3'
Protein context (NP_996820.1, residues 23-43): LERIQKSKGR[Ala33Thr]EKIRHFREFL